The following is an entry in ClinVar:

NM_001282684.2(KCTD17):c.386C>A (p.Thr129Asn)

Gene: KCTD17 (potassium channel tetramerization domain containing 17; plus strand). Cytogenetic location: 22q12.3.
Variant type: single nucleotide variant.
Coding change: c.386C>A on transcript NM_001282684.2 (MANE Select); coding-DNA position 386, C replaced by A.
Protein change: p.Thr129Asn; replaces threonine 129 with asparagine.
Molecular consequence: missense variant.
Genome position (GRCh38, 1-based): chr22:37,056,407, C>A. VCF-style: chr22-37056407-C-A. GRCh37 (hg19) VCF-style: chr22-37452447-C-A.
Other names: c.386C>A, p.Thr129Asn (NM_001282685.2, NM_001282686.2, NM_024681.4); short protein forms T129N.
Identifiers: ClinVar variation 3287823 (VCV003287823.3).

ClinVar aggregate classification (germline): Uncertain significance. Review status: criteria provided, multiple submitters, no conflicts (2 of 4 stars). 2 submissions from 2 submitters: Uncertain significance (2). Last evaluated 2024-06-13.

Conditions:
Inborn genetic diseases. Identifiers: MedGen C0950123, MeSH D030342.
Myoclonic dystonia 26. Identifiers: MedGen C4225341, MONDO:0014620, OMIM 616398.

gnomAD v4.1: 4 of 1,612,846 alleles (0.00025%); highest among the groups gnomAD compares: Admixed American, 0.0067%; no homozygotes.

Submissions (2):

Ambry Genetics
Classification: Uncertain significance for Inborn genetic diseases. Last evaluated: 2024-06-13. Review status: criteria provided, single submitter. Criteria: Ambry Variant Classification Scheme 2023. Collection method: clinical testing. Allele origin: germline.

Labcorp Genetics (formerly Invitae), Labcorp
Classification: Uncertain significance for Myoclonic dystonia 26. Last evaluated: 2024-02-03. Review status: criteria provided, single submitter. Criteria: Invitae Variant Classification Sherloc (09022015). Collection method: clinical testing. Allele origin: germline.
Comment: This sequence change replaces threonine, which is neutral and polar, with asparagine, which is neutral and polar, at codon 136 of the KCTD17 protein (p.Thr136Asn). This variant is present in population databases (rs761372052, gnomAD 0.02%). This variant has not been reported in the literature in individuals affected with KCTD17-related conditions. An algorithm developed to predict the effect of missense changes on protein structure and function (PolyPhen-2) suggests that this variant is likely to be tolerated. In summary, the available evidence is currently insufficient to determine the role of this variant in disease. Therefore, it has been classified as a Variant of Uncertain Significance.